The following is an entry in ClinVar:

NM_000264.5(PTCH1):c.3951A>G (p.Arg1317=)

Gene: PTCH1 (patched 1; minus strand). Cytogenetic location: 9q22.32.
Variant type: single nucleotide variant.
Coding change: c.3951A>G on transcript NM_000264.5 (MANE Select); coding-DNA position 3951, A replaced by G.
Protein change: p.Arg1317=; no amino-acid change (arginine 1317 retained).
Molecular consequence: synonymous variant. On other transcripts: non-coding transcript variant (1).
Genome position (GRCh38, 1-based): chr9:95,447,305, T>C on the plus strand (A>G on the coding strand, the complement: PTCH1 is on the minus strand). VCF-style: chr9-95447305-T-C. GRCh37 (hg19) VCF-style: chr9-98209587-T-C.
Other names: c.3753A>G, p.Arg1251= (NM_001083602.3); c.3948A>G, p.Arg1316= (NM_001083603.3); c.3498A>G, p.Arg1166= (NM_001083604.3, NM_001083605.3, NM_001083606.3 and 1 more transcripts); c.3795A>G, p.Arg1265= (NM_001354918.2).
Identifiers: ClinVar variation 824418 (VCV000824418.25), dbSNP rs1211632031, ClinGen allele CA466351602.
Genomic context (GRCh38, chr9:95,447,305, plus strand): 5'-GGCCCTATTGCTAGGGCCAGAATGCCCTTCAGTAGAAATTTCAAAAGCGTCTCTGCGCGG[T>C]CTGTAGGGGGGTGGCCACAAGCCTTCTCTGGGGGGGTCCCTGCGGGGCTGCTGGCCTTGC-3'
Protein context (NP_000255.2, residues 1307-1327): PREGLWPPPY[Arg1317=]PRRDAFEIST

ClinVar aggregate classification (germline): Likely benign. Review status: criteria provided, multiple submitters, no conflicts (2 of 4 stars). 3 submissions from 3 submitters: Likely benign (3). Last evaluated 2025-12-17.

Conditions:
Hereditary cancer-predisposing syndrome. Also called: Tumor predisposition; Hereditary neoplastic syndrome; Neoplastic Syndromes, Hereditary; Hereditary Cancer Syndrome. Identifiers: Orphanet 140162, MedGen C0027672, MeSH D009386, MONDO:0015356.
Gorlin syndrome. Also called: Nevoid Basal Cell Carcinoma Syndrome; Basal cell nevus syndrome. Identifiers: Orphanet 377, MedGen C0004779, MONDO:0007187.

Allele frequency attached by ClinVar (database versions not stated): TOPMed below 0.00001; gnomAD 0.00001.
gnomAD v4.1: 7 of 1,612,712 alleles (0.00043%); highest among the groups gnomAD compares: Non-Finnish European, 0.00059%; no homozygotes.

Submissions (3):

Labcorp Genetics (formerly Invitae), Labcorp
Classification: Likely benign for Gorlin syndrome. Last evaluated: 2025-12-17. Review status: criteria provided, single submitter. Criteria: Invitae Variant Classification Sherloc (09022015). Collection method: clinical testing. Allele origin: germline.

CeGaT Center for Human Genetics Tuebingen
Classification: Likely benign. Last evaluated: 2025-12-01. Review status: criteria provided, single submitter. Criteria: CeGaT Center For Human Genetics Tuebingen Variant Classification Criteria Version 2. Collection method: clinical testing. Allele origin: germline. Affected: yes. Observed: 2 variant alleles.
Comment: PTCH1: BP4, BP7

Ambry Genetics
Classification: Likely benign for Hereditary cancer-predisposing syndrome. Last evaluated: 2019-03-18. Review status: criteria provided, single submitter. Criteria: Ambry Variant Classification Scheme 2023. Collection method: clinical testing. Allele origin: germline.